The following is an entry in ClinVar:

NM_000091.5:c.(3210+1_3211-1)_(3882+1_3883-1)del

Gene: COL4A3 (collagen type IV alpha 3 chain; plus strand).
Variant type: Deletion.
Other names: c.(3210+1_3211-1)_(3882+1_3883-1)del (NM_000091.5).
Identifiers: ClinVar variation 4853846 (VCV004853846.1).

ClinVar aggregate classification (germline): Pathogenic. Review status: criteria provided, single submitter (1 of 4 stars). 2 submissions from 1 submitter: Pathogenic (2). Last evaluated 2026-02-18.

Conditions:
Autosomal dominant Alport syndrome (ATS3A). Also called: ALPORT SYNDROME 3A, AUTOSOMAL DOMINANT; Alport syndrome dominant type; Renal failure and sensorineural hearing loss. Identifiers: Orphanet 63, Orphanet 88918, MedGen C5882663, MONDO:0007086, OMIM 104200.
Alport syndrome 3b, autosomal recessive. Identifiers: MedGen C5882699, MONDO:0957811, OMIM 620536.

Submissions (2):

Centre de Génétique Humaine, Institut de Pathologie Et de Génétique
Classification: Pathogenic for Alport syndrome 3b, autosomal recessive. Last evaluated: 2026-02-18. Review status: criteria provided, single submitter. Criteria: ACMG Guidelines, 2015. Collection method: clinical testing. Allele origin: maternal, paternal. Inheritance: Autosomal recessive inheritance. Affected: yes. Observed: 2 variant alleles, 2 compound heterozygotes. Clinical features observed: Hematuria (HP:0000790), Proteinuria (HP:0000093), Renal cyst (HP:0000107). Segregation with disease observed.
Comment: Intragenic deletion of coding region (28 exons) (2E: 0.9) in patients of two families with specific phenotype consistent with the gene. CNV segregates with phenotype in the two families phenotype (5D:0.45) Reported variant in a patient with specific phenotype consistent with the gene (4E:0.15)

Centre de Génétique Humaine, Institut de Pathologie Et de Génétique
Classification: Pathogenic for Autosomal dominant Alport syndrome. Last evaluated: 2026-02-18. Review status: criteria provided, single submitter. Criteria: ACMG Guidelines, 2015. Collection method: clinical testing. Allele origin: germline. Inheritance: Autosomal dominant inheritance. Affected: yes. Observed: 1 variant allele, 1 heterozygote. Segregation with disease observed.
Comment: the same text as in the submission from Centre de Génétique Humaine, Institut de Pathologie Et de Génétique above.

Literature cited by the submitters: PubMed 39810285.